The following is an entry in ClinVar:

ClinVar aggregate classification (germline): Uncertain significance (1 of 4 stars; one submission).

Conditions:
TPO-related disorder. Also called: TPO-related condition.

Submission:

PreventionGenetics, part of Exact Sciences
Classification: Uncertain significance for TPO-related condition. Last evaluated: 2025-03-26. Review status: criteria provided, single submitter. Criteria: ACMG Guidelines, 2015. Collection method: clinical testing. Allele origin: germline.
Comment: The TPO c.1226T>G variant is predicted to result in the amino acid substitution p.Leu409Arg. To our knowledge, this variant has not been reported in the literature or in a large population database (gnomAD), indicating this variant is rare. At this time, the clinical significance of this variant is uncertain due to the absence of conclusive functional and genetic evidence.

NM_001206744.2(TPO):c.1226T>G (p.Leu409Arg)

Gene: TPO (thyroid peroxidase; plus strand). Cytogenetic location: 2p25.3.
Variant type: single nucleotide variant.
Coding change: c.1226T>G on transcript NM_001206744.2 (MANE Select); coding-DNA position 1226, T replaced by G.
Protein change: p.Leu409Arg; replaces leucine 409 with arginine.
Molecular consequence: missense variant. On other transcripts: intron variant (1).
Genome position (GRCh38, 1-based): chr2:1,477,492, T>G. VCF-style: chr2-1477492-T-G. GRCh37 (hg19) VCF-style: chr2-1481264-T-G.
Other names: c.1226T>G, p.Leu409Arg (NM_000547.6, NM_001206745.2, NM_175719.4 and 1 more transcripts); c.820-7104T>G (NM_175722.3); short protein forms L409R.
Identifiers: ClinVar variation 5001588 (VCV005001588.1).